The following is an entry in ClinVar:

ClinVar aggregate classification (germline): Uncertain significance (1 of 4 stars; one submission).

Allele frequency attached by ClinVar (database versions not stated): ESP Exome Variant Server 0.00038; gnomAD 0.00044; TOPMed 0.00046; gnomAD exomes 0.00077; ExAC 0.00092.
gnomAD v4.1: 1,191 of 1,613,978 alleles (0.074%); highest among the groups gnomAD compares: Non-Finnish European, 0.095%; 2 homozygotes.

Submission:

Labcorp Genetics (formerly Invitae), Labcorp
Classification: Uncertain significance. Last evaluated: 2025-01-23. Review status: criteria provided, single submitter. Criteria: Invitae Variant Classification Sherloc (09022015). Collection method: clinical testing. Allele origin: germline.
Comment: This sequence change replaces glutamine, which is neutral and polar, with histidine, which is basic and polar, at codon 428 of the TRAIP protein (p.Gln428His). This variant is present in population databases (rs146306196, gnomAD 0.1%), and has an allele count higher than expected for a pathogenic variant. This variant has not been reported in the literature in individuals affected with TRAIP-related conditions. ClinVar contains an entry for this variant (Variation ID: 2050540). An algorithm developed to predict the effect of missense changes on protein structure and function (PolyPhen-2) suggests that this variant is likely to be disruptive. In summary, the available evidence is currently insufficient to determine the role of this variant in disease. Therefore, it has been classified as a Variant of Uncertain Significance.

NM_005879.3(TRAIP):c.1284G>T (p.Gln428His)

Gene: TRAIP (TRAF interacting protein; minus strand). Cytogenetic location: 3p21.31.
Variant type: single nucleotide variant.
Coding change: c.1284G>T on transcript NM_005879.3 (MANE Select); coding-DNA position 1284, G replaced by T.
Protein change: p.Gln428His; replaces glutamine 428 with histidine.
Molecular consequence: missense variant.
Genome position (GRCh38, 1-based): chr3:49,829,461, C>A on the plus strand (G>T on the coding strand, the complement: TRAIP is on the minus strand). VCF-style: chr3-49829461-C-A. GRCh37 (hg19) VCF-style: chr3-49866894-C-A.
Other names: short protein forms Q428H.
Identifiers: ClinVar variation 2050540 (VCV002050540.2), dbSNP rs146306196, ClinGen allele CA2407546.